The following is an entry in ClinVar:

NM_000197.2(HSD17B3):c.619G>A (p.Ala207Thr)

Genes: HSD17B3 (hydroxysteroid 17-beta dehydrogenase 3; minus strand), SLC35D2-HSD17B3 (SLC35D2-HSD17B3 readthrough; minus strand). Cytogenetic location: 9q22.32.
Variant type: single nucleotide variant.
Coding change: c.619G>A on transcript NM_000197.2 (MANE Select); coding-DNA position 619, G replaced by A.
Protein change: p.Ala207Thr; replaces alanine 207 with threonine.
Molecular consequence: missense variant.
Genome position (GRCh38, 1-based): chr9:96,244,382, C>T on the plus strand (G>A on the coding strand, the complement: HSD17B3 is on the minus strand). VCF-style: chr9-96244382-C-T. GRCh37 (hg19) VCF-style: chr9-99006664-C-T.
Other names: short protein forms A207T.
Identifiers: ClinVar variation 741127 (VCV000741127.10), dbSNP rs34862233, ClinGen allele CA5140322.

ClinVar aggregate classification (germline): Likely benign. Review status: criteria provided, single submitter (1 of 4 stars). 2 submissions from 2 submitters: Likely benign (1). 1 of the submissions does not count toward it. Last evaluated 2026-01-19.

Conditions:
HSD17B3-related disorder. Also called: HSD17B3-related condition.

Allele frequency attached by ClinVar (database versions not stated): gnomAD exomes 0.00011 and 0.00028; ExAC 0.00041; 1000 Genomes Project 30x 0.00078; 1000 Genomes Project 0.00080; gnomAD 0.00096 and 0.00108; ESP Exome Variant Server 0.00100; TOPMed 0.00118.
gnomAD v4.1: 314 of 1,614,110 alleles (0.019%); highest among the groups gnomAD compares: African/African-American, 0.35%; no homozygotes.

Submissions (2):

Labcorp Genetics (formerly Invitae), Labcorp
Classification: Likely benign. Last evaluated: 2026-01-19. Review status: criteria provided, single submitter. Criteria: Invitae Variant Classification Sherloc (09022015). Collection method: clinical testing. Allele origin: germline.

PreventionGenetics, part of Exact Sciences
Classification: Likely benign for HSD17B3-related condition. Last evaluated: 2021-04-27. Review status: no assertion criteria provided. Collection method: clinical testing. Allele origin: germline. Not counted in ClinVar's aggregate classification.
Comment: This variant is classified as likely benign based on ACMG/AMP sequence variant interpretation guidelines (Richards et al. 2015 PMID: 25741868, with internal and published modifications).